The following is an entry in ClinVar:

ClinVar aggregate classification (germline): Uncertain significance. Review status: criteria provided, multiple submitters, no conflicts (2 of 4 stars). 2 submissions from 2 submitters: Uncertain significance (2). Last evaluated 2025-01-03.

Conditions:
Intellectual developmental disorder with autism and dysmorphic facies (IDDADF). Identifiers: MedGen C5774206, MONDO:0859281, OMIM 620021.

Allele frequency attached by ClinVar (database versions not stated): TOPMed below 0.00001; gnomAD 0.00001; gnomAD exomes 0.00006; ExAC 0.00011; 1000 Genomes Project 0.00020; 1000 Genomes Project 30x 0.00031.
gnomAD v4.1: 85 of 1,614,234 alleles (0.0053%); highest among the groups gnomAD compares: South Asian, 0.079%; no homozygotes.

Submissions (2):

Ambry Genetics
Classification: Uncertain significance. Last evaluated: 2025-01-03. Review status: criteria provided, single submitter. Criteria: Ambry Variant Classification Scheme 2023. Collection method: clinical testing. Allele origin: germline.

Victorian Clinical Genetics Services, Murdoch Childrens Research Institute
Classification: Uncertain significance for Intellectual developmental disorder with autism and dysmorphic facies. Last evaluated: 2023-07-17. Review status: criteria provided, single submitter. Criteria: ACMG Guidelines, 2015. Collection method: clinical testing. Allele origin: germline. Inheritance: Autosomal recessive inheritance. Affected: yes.
Comment: Based on the classification scheme VCGS_Germline_v1.3.4, this variant is classified as VUS-3C. Following criteria are met: 0102 - Loss of function is a known mechanism of disease in this gene and is associated with intellectual developmental disorder with autism and dysmorphic facies (MIM#620021). (I) 0106 - This gene is associated with autosomal recessive disease. (I) 0115 - Variants in this gene are known to have variable expressivity. Intra-familial variability has been reported in a single family (PMID: 35227461). (I) 0200 - Variant is predicted to result in a missense amino acid change from asparagine to serine. (I) 0252 - This variant is homozygous. (I) 0304 - Variant is present in gnomAD (v2) <0.01 for a recessive condition (23 heterozygotes, 0 homozygotes). (SP) 0503 - Missense variant consistently predicted to be tolerated by multiple in silico tools or not conserved in placental mammals with a minor amino acid change. (SB) 0604 - Variant is not located in an established domain, motif, hotspot or informative constraint region. (I) 0705 - No comparable missense variants have previous evidence for pathogenicity. (I) 0807 - This variant has no previous evidence of pathogenicity. (I) 0905 - No published segregation evidence has been identified for this variant. (I) 1007 - No published functional evidence has been identified for this variant. (I) 1209 - This variant has been shown to be both maternally and paternally inherited (biallelic by trio analysis). (I) Legend: (SP) - Supporting pathogenic, (I) - Information, (SB) - Supporting benign

Literature cited by the submitters: PubMed 35227461 (cited by Victorian Clinical Genetics Services, Murdoch Childrens Research Institute).

NM_173791.5(PDZD8):c.1526A>G (p.Asn509Ser)

Gene: PDZD8 (PDZ domain containing 8; minus strand). Cytogenetic location: 10q25.3.
Variant type: single nucleotide variant.
Coding change: c.1526A>G on transcript NM_173791.5 (MANE Select); coding-DNA position 1526, A replaced by G.
Protein change: p.Asn509Ser; replaces asparagine 509 with serine.
Molecular consequence: missense variant.
Genome position (GRCh38, 1-based): chr10:117,285,207, T>C on the plus strand (A>G on the coding strand, the complement: PDZD8 is on the minus strand). VCF-style: chr10-117285207-T-C. GRCh37 (hg19) VCF-style: chr10-119044718-T-C.
Other names: c.1526A>G (NM_173791.3); short protein forms N509S.
Identifiers: ClinVar variation 3254838 (VCV003254838.2), dbSNP rs540262539.